The following is an entry in ClinVar:

NM_006736.6(DNAJB2):c.176-17C>G

Gene: DNAJB2 (DnaJ heat shock protein family (Hsp40) member B2; plus strand). Cytogenetic location: 2q35.
Variant type: single nucleotide variant.
Coding change: c.176-17C>G on transcript NM_006736.6 (MANE Select); 17 bases into the intron before coding-DNA position 176, C replaced by G.
Molecular consequence: intron variant.
Genome position (GRCh38, 1-based): chr2:219,281,701, C>G. VCF-style: chr2-219281701-C-G. GRCh37 (hg19) VCF-style: chr2-220146423-C-G.
Other names: c.176-17C>G (NM_001039550.2).
Identifiers: ClinVar variation 382730 (VCV000382730.1), dbSNP rs1057521437, ClinGen allele CA16604067.

ClinVar aggregate classification (germline): Likely benign (1 of 4 stars; one submission).

Allele frequency attached by ClinVar (database versions not stated): TOPMed below 0.00001 and 0.00001.

Submission:

GeneDx
Classification: Likely benign. Last evaluated: 2016-01-12. Review status: criteria provided, single submitter. Criteria: GeneDx Variant Classification (06012015). Collection method: clinical testing. Allele origin: germline. Affected: yes.
Comment: This variant is considered likely benign or benign based on one or more of the following criteria: it is a conservative change, it occurs at a poorly conserved position in the protein, it is predicted to be benign by multiple in silico algorithms, and/or has population frequency not consistent with disease.